The following is an entry in ClinVar:

ClinVar aggregate classification (germline): Uncertain significance (1 of 4 stars; one submission).

Conditions:
DICER1-related tumor predisposition. Also called: DICER1 syndrome; DICER1-related pleuropulmonary blastoma cancer predisposition syndrome. Identifiers: Orphanet 284343, MedGen C3839822, MONDO:0100216.

Submission:

Labcorp Genetics (formerly Invitae), Labcorp
Classification: Uncertain significance for DICER1-related tumor predisposition. Last evaluated: 2024-03-07. Review status: criteria provided, single submitter. Criteria: Invitae Variant Classification Sherloc (09022015). Collection method: clinical testing. Allele origin: germline.
Comment: This sequence change replaces aspartic acid, which is acidic and polar, with glutamic acid, which is acidic and polar, at codon 215 of the DICER1 protein (p.Asp215Glu). This variant is not present in population databases (gnomAD no frequency). This variant has not been reported in the literature in individuals affected with DICER1-related conditions. ClinVar contains an entry for this variant (Variation ID: 1449010). Advanced modeling of protein sequence and biophysical properties (such as structural, functional, and spatial information, amino acid conservation, physicochemical variation, residue mobility, and thermodynamic stability) performed at Invitae indicates that this missense variant is not expected to disrupt DICER1 protein function with a negative predictive value of 80%. In summary, the available evidence is currently insufficient to determine the role of this variant in disease. Therefore, it has been classified as a Variant of Uncertain Significance.

NM_177438.3(DICER1):c.645T>A (p.Asp215Glu)

Gene: DICER1 (dicer 1, ribonuclease III; minus strand). Cytogenetic location: 14q32.13.
Variant type: single nucleotide variant.
Coding change: c.645T>A on transcript NM_177438.3 (MANE Select); coding-DNA position 645, T replaced by A.
Protein change: p.Asp215Glu; replaces aspartic acid 215 with glutamic acid.
Molecular consequence: missense variant.
Genome position (GRCh38, 1-based): chr14:95,129,561, A>T on the plus strand (T>A on the coding strand, the complement: DICER1 is on the minus strand). VCF-style: chr14-95129561-A-T. GRCh37 (hg19) VCF-style: chr14-95595898-A-T.
Other names: c.645T>A, p.Asp215Glu (NM_001195573.1, NM_001271282.3, NM_001291628.2 and 1 more transcripts); short protein forms D215E.
Identifiers: ClinVar variation 1449010 (VCV001449010.9), dbSNP rs1318209811, ClinGen allele CA390888157.
Genomic context (GRCh38, chr14:95,129,561, plus strand): 5'-TTCAGCATTACTCTTAAGAATTTTCTCTAGTTTCTGAATCTTTTCTTCCAATTCCTCTGG[A>T]TCACATTTCCCATTTAAAATGGAAGCAGTTAGTCCCAAAATGCGAGGACATGATGGACAA-3'
Protein context (NP_803187.1, residues 205-225): LTASILNGKC[Asp215Glu]PEELEEKIQK